The following is an entry in ClinVar:

NM_182746.3(MCM4):c.1991A>G (p.His664Arg)

Gene: MCM4 (minichromosome maintenance complex component 4; plus strand). Cytogenetic location: 8q11.21.
Variant type: single nucleotide variant.
Coding change: c.1991A>G on transcript NM_182746.3 (MANE Select); coding-DNA position 1991, A replaced by G.
Protein change: p.His664Arg; replaces histidine 664 with arginine.
Molecular consequence: missense variant.
Genome position (GRCh38, 1-based): chr8:47,972,919, A>G. VCF-style: chr8-47972919-A-G. GRCh37 (hg19) VCF-style: chr8-48885479-A-G.
Other names: c.1991A>G, p.His664Arg (NM_005914.4); short protein forms H664R.
Identifiers: ClinVar variation 3650814 (VCV003650814.2).

ClinVar aggregate classification (germline): Uncertain significance (1 of 4 stars; one submission).

Submission:

Labcorp Genetics (formerly Invitae), Labcorp
Classification: Uncertain significance. Last evaluated: 2024-04-25. Review status: criteria provided, single submitter. Criteria: Invitae Variant Classification Sherloc (09022015). Collection method: clinical testing. Allele origin: germline.
Comment: This sequence change replaces histidine, which is basic and polar, with arginine, which is basic and polar, at codon 664 of the MCM4 protein (p.His664Arg). This variant is not present in population databases (gnomAD no frequency). This variant has not been reported in the literature in individuals affected with MCM4-related conditions. Advanced modeling of protein sequence and biophysical properties (such as structural, functional, and spatial information, amino acid conservation, physicochemical variation, residue mobility, and thermodynamic stability) performed at Invitae indicates that this missense variant is not expected to disrupt MCM4 protein function with a negative predictive value of 80%. In summary, the available evidence is currently insufficient to determine the role of this variant in disease. Therefore, it has been classified as a Variant of Uncertain Significance.